The following is an entry in ClinVar:

NM_003803.4(MYOM1):c.308T>C (p.Leu103Pro)

Gene: MYOM1 (myomesin 1; minus strand). Cytogenetic location: 18p11.31.
Variant type: single nucleotide variant.
Coding change: c.308T>C on transcript NM_003803.4 (MANE Select); coding-DNA position 308, T replaced by C.
Protein change: p.Leu103Pro; replaces leucine 103 with proline.
Molecular consequence: missense variant.
Genome position (GRCh38, 1-based): chr18:3,193,941, A>G on the plus strand (T>C on the coding strand, the complement: MYOM1 is on the minus strand). VCF-style: chr18-3193941-A-G. GRCh37 (hg19) VCF-style: chr18-3193939-A-G.
Other names: c.308T>C, p.Leu103Pro (NM_019856.2); short protein forms L103P.
Identifiers: ClinVar variation 4860674 (VCV004860674.1).

ClinVar aggregate classification (germline): Uncertain significance (1 of 4 stars; one submission).

Submission:

Ambry Genetics
Classification: Uncertain significance. Last evaluated: 2026-04-04. Review status: criteria provided, single submitter. Criteria: Ambry Variant Classification Scheme 2023. Collection method: clinical testing. Allele origin: germline.
Comment: The p.L103P variant (also known as c.308T>C), located in coding exon 2 of the MYOM1 gene, results from a T to C substitution at nucleotide position 308. The leucine at codon 103 is replaced by proline, an amino acid with similar properties. This amino acid position is conserved. In addition, this alteration is predicted to be tolerated by in silico analysis. Based on the available evidence, the clinical significance of this variant remains unclear.